The following is an entry in ClinVar:

NM_000053.4(ATP7B):c.3243+5G>C

Gene: ATP7B (ATPase copper transporting beta; minus strand). Cytogenetic location: 13q14.3.
Variant type: single nucleotide variant.
Coding change: c.3243+5G>C on transcript NM_000053.4 (MANE Select); 5 bases into the intron after coding-DNA position 3243, G replaced by C.
Molecular consequence: intron variant.
Genome position (GRCh38, 1-based): chr13:51,944,104, C>G on the plus strand (G>C on the coding strand, the complement: ATP7B is on the minus strand). VCF-style: chr13-51944104-C-G. GRCh37 (hg19) VCF-style: chr13-52518240-C-G.
Other names: c.2910+5G>C (NM_001243182.2); c.2622+5G>C (NM_001005918.3); c.2991+5G>C (NM_001330579.2); c.3009+5G>C (NM_001330578.2).
Identifiers: ClinVar variation 2156613 (VCV002156613.3), dbSNP rs373193482, ClinGen allele CA6988774.

ClinVar aggregate classification (germline): Uncertain significance. Review status: criteria provided, multiple submitters, no conflicts (2 of 4 stars). 3 submissions from 3 submitters: Uncertain significance (3). Last evaluated 2025-09-10.

Conditions:
Wilson disease (WND). Also called: Wilson's disease. Identifiers: Orphanet 905, MedGen C0019202, MONDO:0010200, OMIM 277900. Disease mechanism: loss of function.

gnomAD v4.1: 6 of 1,614,040 alleles (0.00037%); highest among the groups gnomAD compares: Middle Eastern, 0.066%; no homozygotes.

Submissions (3):

Color Diagnostics, LLC DBA Color Health
Classification: Uncertain significance for Wilson disease. Last evaluated: 2025-09-10. Review status: criteria provided, single submitter. Criteria: ACMG Guidelines, 2015. Collection method: clinical testing. Allele origin: germline.
Comment: This variant causes a G to C nucleotide substitution at the +5 position of intron 14 of the ATP7B gene. To our knowledge, functional studies have not been reported for this variant. This variant has not been reported in individuals affected with Wilson disease in the literature. This variant has been identified in 2/248946 chromosomes in the general population by the Genome Aggregation Database (gnomAD). The available evidence is insufficient to determine the role of this variant in disease conclusively. Therefore, this variant is classified as a Variant of Uncertain Significance.

All of Us Research Program, National Institutes of Health
Classification: Uncertain significance for Wilson disease. Last evaluated: 2023-04-03. Review status: criteria provided, single submitter. Criteria: ACMG Guidelines, 2015. Collection method: clinical testing. Allele origin: germline. Inheritance: Autosomal recessive inheritance. Observed: 2 variant alleles, 2 heterozygotes.
Comment: This variant causes a G to C nucleotide substitution at the +5 position of intron 14 of the ATP7B gene. To our knowledge, functional studies have not been reported for this variant. This variant has not been reported in individuals affected with Wilson disease in the literature. This variant has been identified in 2/248946 chromosomes in the general population by the Genome Aggregation Database (gnomAD). The available evidence is insufficient to determine the role of this variant in disease conclusively. Therefore, this variant is classified as a Variant of Uncertain Significance.

This study involves interpretation of variants in research participants for the purpose of population health screening. Participant phenotype was not available at the time of variant classification. Additional details can be found in publication PMID: 35346344, PMCID: PMC8962531

Labcorp Genetics (formerly Invitae), Labcorp
Classification: Uncertain significance for Wilson disease. Last evaluated: 2022-07-25. Review status: criteria provided, single submitter. Criteria: Invitae Variant Classification Sherloc (09022015). Collection method: clinical testing. Allele origin: germline.
Comment: This sequence change falls in intron 14 of the ATP7B gene. It does not directly change the encoded amino acid sequence of the ATP7B protein. It affects a nucleotide within the consensus splice site. This variant is present in population databases (rs373193482, gnomAD 0.0009%). This variant has not been reported in the literature in individuals affected with ATP7B-related conditions. Variants that disrupt the consensus splice site are a relatively common cause of aberrant splicing (PMID: 17576681, 9536098). Algorithms developed to predict the effect of sequence changes on RNA splicing suggest that this variant may disrupt the consensus splice site. In summary, the available evidence is currently insufficient to determine the role of this variant in disease. Therefore, it has been classified as a Variant of Uncertain Significance.

Literature cited by the submitters: PubMed 17576681 (cited by Labcorp Genetics (formerly Invitae), Labcorp); PubMed 9536098 (cited by Labcorp Genetics (formerly Invitae), Labcorp).